The following is an entry in ClinVar:

ClinVar aggregate classification (germline): Likely benign (0 of 4 stars; one submission).

Conditions:
GLE1-related disorder. Also called: GLE1-related disorders; GLE1-related condition.

Submission:

PreventionGenetics, part of Exact Sciences
Classification: Likely benign for GLE1-related condition. Last evaluated: 2022-12-16. Review status: no assertion criteria provided. Collection method: clinical testing. Allele origin: germline.
Comment: This variant is classified as likely benign based on ACMG/AMP sequence variant interpretation guidelines (Richards et al. 2015 PMID: 25741868, with internal and published modifications).

NM_001003722.2(GLE1):c.1881+8A>T

Genes: GLE1 (GLE1 RNA export mediator; plus strand), LOC101929270 (uncharacterized LOC101929270; minus strand). Cytogenetic location: 9q34.11.
Variant type: single nucleotide variant.
Coding change: c.1881+8A>T on transcript NM_001003722.2 (MANE Select); 8 bases into the intron after coding-DNA position 1881, A replaced by T.
Molecular consequence: intron variant.
Genome position (GRCh38, 1-based): chr9:128,538,098, A>T. VCF-style: chr9-128538098-A-T. GRCh37 (hg19) VCF-style: chr9-131300377-A-T.
Other names: c.1881+8A>T (NM_001499.2); c.1908+8A>T (NM_001411013.1).
Identifiers: ClinVar variation 3047194 (VCV003047194.2), dbSNP rs2132532063, ClinGen allele CA2691925188.